The following is an entry in ClinVar:

NM_001378902.1(ROS1):c.4765T>C (p.Leu1589=)

Gene: ROS1 (ROS proto-oncogene 1, receptor tyrosine kinase; minus strand). Cytogenetic location: 6q22.1.
Variant type: single nucleotide variant.
Coding change: c.4765T>C on transcript NM_001378902.1 (MANE Select); coding-DNA position 4765, T replaced by C.
Protein change: p.Leu1589=; no amino-acid change (leucine 1589 retained).
Molecular consequence: synonymous variant.
Genome position (GRCh38, 1-based): chr6:117,341,519, A>G on the plus strand (T>C on the coding strand, the complement: ROS1 is on the minus strand). VCF-style: chr6-117341519-A-G. GRCh37 (hg19) VCF-style: chr6-117662682-A-G.
Other names: c.4771T>C, p.Leu1591= (NM_001378891.1); c.4783T>C, p.Leu1595= (NM_002944.3).
Identifiers: ClinVar variation 3904875 (VCV003904875.10).

ClinVar aggregate classification (germline): Benign (1 of 4 stars; one submission).

gnomAD v4.1: 14,302 of 1,613,768 alleles (0.89%); highest among the groups gnomAD compares: East Asian, 7.1%; 451 homozygotes.

Submission:

CeGaT Center for Human Genetics Tuebingen
Classification: Benign. Last evaluated: 2025-06-01. Review status: criteria provided, single submitter. Criteria: CeGaT Center For Human Genetics Tuebingen Variant Classification Criteria Version 2. Collection method: clinical testing. Allele origin: germline. Affected: yes. Observed: 1 variant allele.
Comment: ROS1: BP4, BP7, BS1, BS2